The following is an entry in ClinVar:

ClinVar aggregate classification (germline): Conflicting classifications of pathogenicity. Review status: criteria provided, conflicting classifications (1 of 4 stars). 5 submissions from 5 submitters: Uncertain significance (4); Likely benign (1). Last evaluated 2025-02-13.

Conditions:
Familial thoracic aortic aneurysm and aortic dissection (TAAD). Also called: Thoracic aortic aneurysms and dissections. Identifiers: Orphanet 91387, MedGen C4707243, MONDO:0019625.
Aneurysm-osteoarthritis syndrome. Also called: SMAD3-Related Loeys-Dietz Syndrome; ANEURYSMS-OSTEOARTHRITIS SYNDROME; Loeys-Dietz syndrome, type 1C; LOEYS-DIETZ SYNDROME WITH OSTEOARTHRITIS. Identifiers: Orphanet 284984, MedGen C3151087, MONDO:0013426, OMIM 613795.

Allele frequency attached by ClinVar (database versions not stated): gnomAD exomes below 0.00001; TOPMed below 0.00001; gnomAD 0.00001.
gnomAD v4.1: 3 of 1,613,504 alleles (0.00019%); highest among the groups gnomAD compares: Non-Finnish European, 0.00025%; no homozygotes.

Submissions (5):

Labcorp Genetics (formerly Invitae), Labcorp
Classification: Uncertain significance for Familial thoracic aortic aneurysm and aortic dissection. Last evaluated: 2025-02-13. Review status: criteria provided, single submitter. Criteria: Invitae Variant Classification Sherloc (09022015). Collection method: clinical testing. Allele origin: germline.
Comment: This sequence change replaces leucine, which is neutral and non-polar, with phenylalanine, which is neutral and non-polar, at codon 219 of the SMAD3 protein (p.Leu219Phe). This variant is not present in population databases (gnomAD no frequency). This variant has not been reported in the literature in individuals affected with SMAD3-related conditions. ClinVar contains an entry for this variant (Variation ID: 259888). An algorithm developed to predict the effect of missense changes on protein structure and function (PolyPhen-2) suggests that this variant is likely to be tolerated. In summary, the available evidence is currently insufficient to determine the role of this variant in disease. Therefore, it has been classified as a Variant of Uncertain Significance.

All of Us Research Program, National Institutes of Health
Classification: Uncertain significance for Aneurysm-osteoarthritis syndrome. Last evaluated: 2024-04-25. Review status: criteria provided, single submitter. Criteria: ACMG Guidelines, 2015. Collection method: clinical testing. Allele origin: germline. Inheritance: Autosomal dominant inheritance. Observed: 2 variant alleles, 2 heterozygotes.
Comment: This missense variant replaces leucine with phenylalanine at codon 219 of the SMAD3 protein. Computational prediction tools and conservation analyses suggest that this variant may not impact protein structure and function. Splice site prediction tools suggest that this variant may not impact RNA splicing. To our knowledge, functional studies have not been performed for this variant. This variant has not been reported in individuals affected with cardiovascular disorders in the literature. This variant has not been identified in the general population by the Genome Aggregation Database (gnomAD). The available evidence is insufficient to determine the role of this variant in disease conclusively. Therefore, this variant is classified as a Variant of Uncertain Significance.

This study involves interpretation of variants in research participants for the purpose of population health screening. Participant phenotype was not available at the time of variant classification. Additional details can be found in publication PMID: 35346344, PMCID: PMC8962531

Color Diagnostics, LLC DBA Color Health
Classification: Uncertain significance for Familial thoracic aortic aneurysm and aortic dissection. Last evaluated: 2024-02-09. Review status: criteria provided, single submitter. Criteria: ACMG Guidelines, 2015. Collection method: clinical testing. Allele origin: germline.
Comment: This missense variant replaces leucine with phenylalanine at codon 219 of the SMAD3 protein. Computational prediction tools indicate that this variant has a neutral impact on protein structure and function. To our knowledge, functional studies have not been reported for this variant. This variant has not been reported in individuals affected with SMAD3-related disorders in the literature. This variant has not been identified in the general population by the Genome Aggregation Database (gnomAD). The available evidence is insufficient to determine the role of this variant in disease conclusively. Therefore, this variant is classified as a Variant of Uncertain Significance.

Ambry Genetics
Classification: Uncertain significance for Familial thoracic aortic aneurysm and aortic dissection. Last evaluated: 2022-03-28. Review status: criteria provided, single submitter. Criteria: Ambry Variant Classification Scheme 2023. Collection method: clinical testing. Allele origin: germline.
Comment: The p.L219F variant (also known as c.657G>C), located in coding exon 5 of the SMAD3 gene, results from a G to C substitution at nucleotide position 657. The leucine at codon 219 is replaced by phenylalanine, an amino acid with highly similar properties. This amino acid position is well conserved in available vertebrate species. In addition, the in silico prediction for this alteration is inconclusive. Since supporting evidence is limited at this time, the clinical significance of this alteration remains unclear.

PreventionGenetics, part of Exact Sciences
Classification: Likely benign. Review status: criteria provided, single submitter. Criteria: ACMG Guidelines, 2015. Collection method: clinical testing. Allele origin: germline.

NM_005902.4(SMAD3):c.657G>C (p.Leu219Phe)

Gene: SMAD3 (SMAD family member 3; plus strand). Cytogenetic location: 15q22.33.
Variant type: single nucleotide variant.
Coding change: c.657G>C on transcript NM_005902.4 (MANE Select); coding-DNA position 657, G replaced by C.
Protein change: p.Leu219Phe; replaces leucine 219 with phenylalanine.
Molecular consequence: missense variant.
Genome position (GRCh38, 1-based): chr15:67,170,603, G>C. VCF-style: chr15-67170603-G-C. GRCh37 (hg19) VCF-style: chr15-67462941-G-C.
Other names: c.342G>C, p.Leu114Phe (NM_001145102.2); c.525G>C, p.Leu175Phe (NM_001145103.2); c.72G>C, p.Leu24Phe (NM_001145104.2); short protein forms L219F, L114F, L24F, L175F.
Identifiers: ClinVar variation 259888 (VCV000259888.16), dbSNP rs886038567, ClinGen allele CA10587208.